The following is an entry in ClinVar:

ClinVar aggregate classification (germline): Benign (1 of 4 stars; one submission).

Allele frequency attached by ClinVar (database versions not stated): 1000 Genomes Project 30x 0.57378; 1000 Genomes Project 0.57934; TOPMed 0.60434; gnomAD 0.62163.

Submission:

GeneDx
Classification: Benign. Last evaluated: 2018-06-14. Review status: criteria provided, single submitter. Criteria: GeneDx Variant Classification (06012015). Collection method: clinical testing. Allele origin: germline. Affected: yes.
Comment: This variant is considered likely benign or benign based on one or more of the following criteria: it is a conservative change, it occurs at a poorly conserved position in the protein, it is predicted to be benign by multiple in silico algorithms, and/or has population frequency not consistent with disease.

NM_001079855.2(GYG2):c.837+327C>G

Gene: GYG2 (glycogenin 2; plus strand). Cytogenetic location: Xp22.33.
Variant type: single nucleotide variant.
Coding change: c.837+327C>G on transcript NM_001079855.2 (MANE Select); 327 bases into the intron after coding-DNA position 837, C replaced by G.
Molecular consequence: intron variant.
Genome position (GRCh38, 1-based): chrX:2,860,392, C>G. VCF-style: chrX-2860392-C-G. GRCh37 (hg19) VCF-style: chrX-2778433-C-G.
Other names: c.930+327C>G (NM_003918.3, NM_001184703.2); c.837+327C>G (NM_001184702.2); c.372+327C>G (NM_001184704.2).
Identifiers: ClinVar variation 684129 (VCV000684129.1), dbSNP rs2316285, ClinGen allele CA325969288.
Genomic context (GRCh38, chrX:2,860,392, plus strand): 5'-AAGAGACACTCATGGACAAGTGGTTCACAATGACTGATTACGACGTCATTCGGGTCAACA[C>G]TTTCCACTTGAAACCATCATTTGAGATAGCAGTTGGAGGAAGTGTCTGAAGAGGATTTTG-3'